The following is an entry in ClinVar:

ClinVar aggregate classification (germline): Uncertain significance (1 of 4 stars; one submission).

Conditions:
Emery-Dreifuss muscular dystrophy (EDMD). Also called: Scapuloperoneal syndrome, X-linked (formerly); Humeroperoneal neuromuscular disease, (formerly). Identifiers: Orphanet 261, MedGen C0410189, MONDO:0016830.

gnomAD v4.1: 22 of 1,613,146 alleles (0.0014%); highest among the groups gnomAD compares: African/African-American, 0.016%; no homozygotes.

Submission:

Labcorp Genetics (formerly Invitae), Labcorp
Classification: Uncertain significance for Emery-Dreifuss muscular dystrophy. Last evaluated: 2025-01-28. Review status: criteria provided, single submitter. Criteria: Invitae Variant Classification Sherloc (09022015). Collection method: clinical testing. Allele origin: germline.
Comment: This sequence change replaces arginine, which is basic and polar, with tryptophan, which is neutral and slightly polar, at codon 309 of the SUN1 protein (p.Arg309Trp). This variant is present in population databases (rs769867128, gnomAD 0.01%). This variant has not been reported in the literature in individuals affected with SUN1-related conditions. An algorithm developed to predict the effect of missense changes on protein structure and function outputs the following: PolyPhen-2: "Benign". The tryptophan amino acid residue is found in multiple mammalian species, which suggests that this missense change does not adversely affect protein function. In summary, the available evidence is currently insufficient to determine the role of this variant in disease. Therefore, it has been classified as a Variant of Uncertain Significance.

NM_001130965.3(SUN1):c.925C>T (p.Arg309Trp)

Gene: SUN1 (Sad1 and UNC84 domain containing 1; plus strand). Cytogenetic location: 7p22.3.
Variant type: single nucleotide variant.
Coding change: c.925C>T on transcript NM_001130965.3 (MANE Select); coding-DNA position 925, C replaced by T.
Protein change: p.Arg309Trp; replaces arginine 309 with tryptophan.
Molecular consequence: missense variant. On other transcripts: non-coding transcript variant (3), intron variant (1).
Genome position (GRCh38, 1-based): chr7:852,824, C>T. VCF-style: chr7-852824-C-T. GRCh37 (hg19) VCF-style: chr7-892461-C-T.
Other names: c.910C>T, p.Arg304Trp (NM_001367642.1); c.1117C>T, p.Arg373Trp (NM_001367643.1); c.856C>T, p.Arg286Trp (NM_001367644.1); c.886C>T, p.Arg296Trp (NM_001367645.1, NM_001367689.1, NM_001367667.1); c.1054C>T, p.Arg352Trp (NM_001367646.1); c.967C>T, p.Arg323Trp (NM_001367647.1, NM_001367668.1); c.787C>T, p.Arg263Trp (NM_001367648.1); c.970C>T, p.Arg324Trp (NM_001367649.1); and 38 more; short protein forms R295W, R337W, R352W, R370W, R373W, R379W, R403W, R440W.
Identifiers: ClinVar variation 3669382 (VCV003669382.2).
Genomic context (GRCh38, chr7:852,824, plus strand): 5'-AGAAGCGTGGTGTACCTGTGTGTGTGTGGTGGCTCTTCTCTTTTAGCAGGTCTCTCCTTA[C>T]GGGGCCAGGGCAATTTCTTTTCGTTCTTGCCCGTGTTGAACTGGGCAAGCATGCATAGAA-3'
Protein context (NP_001124437.1, residues 299-319): LFLLLAGLSL[Arg309Trp]GQGNFFSFLP